The following is an entry in ClinVar:

ClinVar aggregate classification (germline): Uncertain significance. Review status: criteria provided, multiple submitters, no conflicts (2 of 4 stars). 2 submissions from 2 submitters: Uncertain significance (2). Last evaluated 2021-08-28.

Conditions:
Epidermolysis bullosa simplex 5B, with muscular dystrophy (EBS5B). Also called: EPIDERMOLYSIS BULLOSA SIMPLEX AND LIMB-GIRDLE MUSCULAR DYSTROPHY; Epidermolysis bullosa simplex with muscular dystrophy. Identifiers: Orphanet 257, MedGen C2931072, MONDO:0009181, OMIM 226670.
Epidermolysis bullosa simplex 5C, with pyloric atresia (EBS5C). Also called: Epidermolysis bullosa simplex with pyloric atresia; PLEC-Related Epidermolysis Bullosa with Pyloric Atresia; PLEC1-Related Epidermolysis Bullosa with Pyloric Atresia. Identifiers: Orphanet 158684, MedGen C2677349, MONDO:0012807, OMIM 612138.
Autosomal recessive limb-girdle muscular dystrophy type 2Q (LGMDR17). Also called: MUSCULAR DYSTROPHY, LIMB-GIRDLE, AUTOSOMAL RECESSIVE 17. Identifiers: Orphanet 254361, MedGen C3150989, MONDO:0013390, OMIM 613723.
Epidermolysis bullosa simplex with nail dystrophy (EBS5D). Identifiers: MedGen C4225309, MONDO:0014661, OMIM 616487.
Epidermolysis bullosa simplex, Ogna type (EBS5A). Also called: Pidermolysis bullosa simplex 5A, Ogna type; EPIDERMOLYSIS BULLOSA SIMPLEX 5A, OGNA TYPE. Identifiers: Orphanet 79401, MedGen C0432317, MONDO:0007555, OMIM 131950.
Inborn genetic diseases. Identifiers: MedGen C0950123, MeSH D030342.

Allele frequency attached by ClinVar (database versions not stated): gnomAD 0.00001; TOPMed 0.00001; gnomAD exomes 0.00002; ExAC 0.00003.
gnomAD v4.1: 36 of 1,612,248 alleles (0.0022%); highest among the groups gnomAD compares: South Asian, 0.0033%; no homozygotes.

Submissions (2):

Labcorp Genetics (formerly Invitae), Labcorp
Classification: Uncertain significance for Autosomal recessive limb-girdle muscular dystrophy type 2Q; Epidermolysis bullosa simplex, Ogna type; Epidermolysis bullosa simplex with nail dystrophy; Epidermolysis bullosa simplex 5C, with pyloric atresia; Epidermolysis bullosa simplex 5B, with muscular dystrophy. Last evaluated: 2021-08-28. Review status: criteria provided, single submitter. Criteria: Invitae Variant Classification Sherloc (09022015). Collection method: clinical testing. Allele origin: germline.
Comment: This sequence change replaces arginine with histidine at codon 412 of the PLEC protein (p.Arg412His). The arginine residue is highly conserved and there is a small physicochemical difference between arginine and histidine. This variant is present in population databases (rs781837293, ExAC 0.006%). This variant has not been reported in the literature in individuals affected with PLEC-related conditions. Algorithms developed to predict the effect of missense changes on protein structure and function are either unavailable or do not agree on the potential impact of this missense change (SIFT: "Deleterious"; PolyPhen-2: "Not Available"; Align-GVGD: "Class C25"). In summary, the available evidence is currently insufficient to determine the role of this variant in disease. Therefore, it has been classified as a Variant of Uncertain Significance.

Ambry Genetics
Classification: Uncertain significance for Inborn genetic diseases. Last evaluated: 2021-08-13. Review status: criteria provided, single submitter. Criteria: Ambry Variant Classification Scheme 2023. Collection method: clinical testing. Allele origin: germline.

NM_201384.3(PLEC):c.1154G>A (p.Arg385His)

Gene: PLEC (plectin; minus strand). Cytogenetic location: 8q24.3.
Variant type: single nucleotide variant.
Coding change: c.1154G>A on transcript NM_201384.3 (MANE Select); coding-DNA position 1154, G replaced by A.
Protein change: p.Arg385His; replaces arginine 385 with histidine.
Molecular consequence: missense variant.
Genome position (GRCh38, 1-based): chr8:143,934,333, C>T on the plus strand (G>A on the coding strand, the complement: PLEC is on the minus strand). VCF-style: chr8-143934333-C-T. GRCh37 (hg19) VCF-style: chr8-145008501-C-T.
Other names: c.1235G>A, p.Arg412His (NM_000445.5); c.1112G>A, p.Arg371His (NM_201378.4); c.1088G>A, p.Arg363His (NM_201379.3); c.1565G>A, p.Arg522His (NM_201380.4); c.1058G>A, p.Arg353His (NM_201381.3); c.1154G>A, p.Arg385His (NM_201382.4); c.1166G>A, p.Arg389His (NM_201383.3); c.1235G>A (NM_000445.3); short protein forms R353H, R371H, R522H, R385H, R389H, R412H, R363H.
Identifiers: ClinVar variation 1432385 (VCV001432385.6), dbSNP rs781837293, ClinGen allele CA4928156.